The following is an entry in ClinVar:

ClinVar aggregate classification (germline): Uncertain significance (1 of 4 stars; one submission).

Conditions:
Hereditary cancer-predisposing syndrome. Also called: Tumor predisposition; Neoplastic Syndromes, Hereditary; Hereditary Cancer Syndrome; Hereditary neoplastic syndrome. Identifiers: Orphanet 140162, MedGen C0027672, MeSH D009386, MONDO:0015356.

Submission:

Ambry Genetics
Classification: Uncertain significance for Hereditary cancer-predisposing syndrome. Last evaluated: 2024-12-02. Review status: criteria provided, single submitter. Criteria: Ambry Variant Classification Scheme 2023. Collection method: clinical testing. Allele origin: germline.
Comment: The p.Q177E variant (also known as c.529C>G), located in coding exon 4 of the CDH1 gene, results from a C to G substitution at nucleotide position 529. The glutamine at codon 177 is replaced by glutamic acid, an amino acid with highly similar properties. This amino acid position is conserved. In addition, this alteration is predicted to be tolerated by in silico analysis. Based on the available evidence, the clinical significance of this variant remains unclear.

NM_004360.5(CDH1):c.529C>G (p.Gln177Glu)

Gene: CDH1 (cadherin 1; plus strand). Cytogenetic location: 16q22.1.
Variant type: single nucleotide variant.
Coding change: c.529C>G on transcript NM_004360.5 (MANE Select); coding-DNA position 529, C replaced by G.
Protein change: p.Gln177Glu; replaces glutamine 177 with glutamic acid.
Molecular consequence: missense variant. On other transcripts: 5 prime UTR variant (2).
Genome position (GRCh38, 1-based): chr16:68,808,565, C>G. VCF-style: chr16-68808565-C-G. GRCh37 (hg19) VCF-style: chr16-68842468-C-G.
Other names: c.529C>G, p.Gln177Glu (NM_001317184.2); c.-1087C>G (NM_001317185.2); c.-1291C>G (NM_001317186.2); short protein forms Q177E.
Identifiers: ClinVar variation 3488692 (VCV003488692.1).